The following is an entry in ClinVar:

NM_001375524.1(TRRAP):c.4549-3C>G

Gene: TRRAP (transformation/transcription domain associated protein; plus strand). Cytogenetic location: 7q22.1.
Variant type: single nucleotide variant.
Coding change: c.4549-3C>G on transcript NM_001375524.1 (MANE Select); 3 bases into the intron before coding-DNA position 4549, C replaced by G.
Molecular consequence: intron variant.
Genome position (GRCh38, 1-based): chr7:98,948,218, C>G. VCF-style: chr7-98948218-C-G. GRCh37 (hg19) VCF-style: chr7-98545841-C-G.
Other names: c.4528-3C>G (NM_001244580.2); c.4474-3C>G (NM_003496.4).
Identifiers: ClinVar variation 4795639 (VCV004795639.1).

ClinVar aggregate classification (germline): Uncertain significance (1 of 4 stars; one submission).

Submission:

GeneDx
Classification: Uncertain significance. Last evaluated: 2025-08-11. Review status: criteria provided, single submitter. Criteria: GeneDx Variant Classification Process June 2021. Collection method: clinical testing. Allele origin: germline. Affected: yes.
Comment: Not observed at significant frequency in large population cohorts (gnomAD); In silico analysis suggests this variant may impact gene splicing. In the absence of RNA/functional studies, the actual effect of this sequence change is unknown; Has not been previously published as pathogenic or benign to our knowledge